The following is an entry in ClinVar:

NM_001365276.2(TNXB):c.5894C>G (p.Ala1965Gly)

Gene: TNXB (tenascin XB; minus strand). Cytogenetic location: 6p21.33.
Variant type: single nucleotide variant.
Coding change: c.5894C>G on transcript NM_001365276.2 (MANE Select); coding-DNA position 5894, C replaced by G.
Protein change: p.Ala1965Gly; replaces alanine 1965 with glycine.
Molecular consequence: missense variant.
Genome position (GRCh38, 1-based): chr6:32,068,830, G>C on the plus strand (C>G on the coding strand, the complement: TNXB is on the minus strand). VCF-style: chr6-32068830-G-C. GRCh37 (hg19) VCF-style: chr6-32036607-G-C.
Other names: c.6635C>G, p.Ala2212Gly (NM_001428335.1); c.5894C>G, p.Ala1965Gly (NM_019105.8); short protein forms A1965G, A2212G.
Identifiers: ClinVar variation 5031027 (VCV005031027.1).

ClinVar aggregate classification (germline): Uncertain significance (1 of 4 stars; one submission).

Conditions:
Cardiovascular phenotype. Identifiers: MedGen CN230736.

Submission:

Ambry Genetics
Classification: Uncertain significance for Cardiovascular phenotype. Last evaluated: 2026-07-21. Review status: criteria provided, single submitter. Criteria: Ambry Variant Classification Scheme 2023. Collection method: clinical testing. Allele origin: germline.
Comment: The p.A1965G variant (also known as c.5894C>G), located in coding exon 15 of the TNXB gene, results from a C to G substitution at nucleotide position 5894. The alanine at codon 1965 is replaced by glycine, an amino acid with similar properties. This amino acid position is conserved. In addition, this alteration is predicted to be tolerated by in silico analysis. Based on the available evidence, the clinical significance of this variant remains unclear.